The following is an entry in ClinVar:

NM_000133.4(F9):c.127C>T (p.Arg43Trp)

Gene: F9 (coagulation factor IX; plus strand). Cytogenetic location: Xq27.1.
Variant type: single nucleotide variant.
Coding change: c.127C>T on transcript NM_000133.4 (MANE Select); coding-DNA position 127, C replaced by T.
Protein change: p.Arg43Trp; replaces arginine 43 with tryptophan.
Molecular consequence: missense variant.
Genome position (GRCh38, 1-based): chrX:139,537,048, C>T. VCF-style: chrX-139537048-C-T. GRCh37 (hg19) VCF-style: chrX-138619207-C-T.
Other names: F9, ARG-4TRP; c.127C>T (NM_000133.3); c.127C>T, p.Arg43Trp (NM_001313913.2); short protein forms R43W.
Identifiers: ClinVar variation 811505 (VCV000811505.17), dbSNP rs1603264205, ClinGen allele CA414435537.

ClinVar aggregate classification (germline): Pathogenic. Review status: criteria provided, multiple submitters, no conflicts (2 of 4 stars). 5 submissions from 5 submitters: Pathogenic (3). 2 of the submissions do not count toward it. Last evaluated 2023-05-02.

Conditions:
Hereditary factor IX deficiency disease (HEMB). Also called: Hemophilia B; Christmas Disease; F9 DEFICIENCY; FACTOR IX DEFICIENCY; PLASMA THROMBOPLASTIN COMPONENT DEFICIENCY. Identifiers: Orphanet 98879, MedGen C0008533, MeSH D002836, MONDO:0010604, OMIM 306900.
Thrombophilia, X-linked, due to factor 9 defect. Identifiers: MedGen C2749016, MONDO:0010432, OMIM 300807.

Allele frequency attached by ClinVar (database versions not stated): gnomAD exomes below 0.00001; TOPMed 0.00005.
gnomAD v4.1: 1 of 1,207,725 alleles (0.000083%); highest among the groups gnomAD compares: Non-Finnish European, 0.00011%; no homozygotes.

Submissions (5):

Women's Health and Genetics/Laboratory Corporation of America, LabCorp
Classification: Pathogenic for Hereditary factor IX deficiency disease. Last evaluated: 2023-05-02. Review status: criteria provided, single submitter. Criteria: LabCorp Variant Classification Summary - May 2015. Collection method: clinical testing. Allele origin: germline.
Comment: Variant summary: F9 c.127C>T (p.Arg43Trp) results in a non-conservative amino acid change located in the Gamma-carboxyglutamic acid-rich (GLA) domain (IPR000294) of the encoded protein sequence. Four of five in-silico tools predict a damaging effect of the variant on protein function. The variant was absent in 181989 control chromosomes (gnomAD). c.127C>T has been reported in the literature in multiple individuals affected with Factor IX Deficiency (Hemophilia B) (example: Green_1992 and Hamasaki-Katagiri_2012). This variant is also known as 6364C>T and Arg4Trp. Functional analysis have shown this variant results in <10% clotting activity (example: Chavali_2009). The following publications have been ascertained in the context of this evaluation (PMID: 1615486, 22639855, 19699296). Two clinical diagnostic laboratories have submitted clinical-significance assessments for this variant to ClinVar after 2014 and classified the variant as pathogenic. Based on the evidence outlined above, the variant was classified as pathogenic.

Labcorp Genetics (formerly Invitae), Labcorp
Classification: Pathogenic for Thrombophilia, X-linked, due to factor 9 defect; Hereditary factor IX deficiency disease. Last evaluated: 2022-12-29. Review status: criteria provided, single submitter. Criteria: Invitae Variant Classification Sherloc (09022015). Collection method: clinical testing. Allele origin: germline.
Comment: For these reasons, this variant has been classified as Pathogenic. This variant disrupts the p.Arg43 amino acid residue in F9. Other variant(s) that disrupt this residue have been determined to be pathogenic (PMID: 1615486, 19699296, 22639855). This suggests that this residue is clinically significant, and that variants that disrupt this residue are likely to be disease-causing. Advanced modeling of protein sequence and biophysical properties (such as structural, functional, and spatial information, amino acid conservation, physicochemical variation, residue mobility, and thermodynamic stability) performed at Invitae indicates that this missense variant is expected to disrupt F9 protein function. ClinVar contains an entry for this variant (Variation ID: 811505). This variant is also known as 6364C>T and Arg4Trp. This missense change has been observed in individuals with hemophilia B (PMID: 1615486, 19699296, 22639855). This variant is not present in population databases (gnomAD no frequency). This sequence change replaces arginine, which is basic and polar, with tryptophan, which is neutral and slightly polar, at codon 43 of the F9 protein (p.Arg43Trp).

ARUP Laboratories, Molecular Genetics and Genomics, ARUP Laboratories
Classification: Pathogenic. Last evaluated: 2019-05-06. Review status: criteria provided, single submitter. Criteria: ARUP Molecular Germline Variant Investigation Process. Collection method: clinical testing. Allele origin: germline.
Comment: The F9 c.127C>T; p.Arg43Trp variant, also known as p.Arg-4Trp, is reported in the literature in numerous individuals affected with moderate to severe hemophilia B (Chavali 2009, Green 1992, Knobloch 1993, Li 2014, Factor IX database and references therein). Additional variants at the same codon (p.Arg43Gln, p.Arg43Leu) have been reported in individuals with hemophilia B and are considered pathogenic (Chavali 2009, Green 1992, Knobloch 1993, Li 2014, Factor IX database). The arginine at codon 43 is highly conserved and computational analyses (SIFT, PolyPhen-2) predict that the p.Arg43Trp variant is deleterious. In assays of clotting activity, the p.Arg43Trp, p.Arg43Gln, and p.Arg43Leu variants generally exhibit less than 5% of wildtype activity, consistent with moderate to severe hemophilia (Chavali 2009, Green 1992, Factor IX database). The p.Arg43Trp variant is absent from general population databases (Exome Variant Server, Genome Aggregation Database), indicating it is not a common polymorphism. Based on available information, this variant is considered to be pathogenic. References: Factor IX database: Chavali S et al. Hemophilia B is a quasi-quantitative condition with certain mutations showing phenotypic plasticity. Genomics. 2009 Dec;94(6):433-7. Green PM et al. Haplotype analysis of identical factor IX mutants using PCR. Thromb Haemost. 1992 Jan 23;67(1):66-9. Knobloch O et al. Recurrent mutations in the factor IX gene: founder effect or repeat de novo events. Investigation of the German haemophilia B population and review of de novo mutations. Hum Genet. 1993 Aug;92(1):40-8. Li T et al. Mutation analysis of a cohort of US patients with hemophilia B. Am J Hematol. 2014 Apr;89(4):375-9.

OMIM
Classification: Pathogenic for HEMOPHILIA B. Last evaluated: 1992-01-23. Review status: no assertion criteria provided. Collection method: literature only. Allele origin: germline. Not counted in ClinVar's aggregate classification.

Revvity Omics, Revvity
Classification: Uncertain significance. Last evaluated: 2021-12-14. Review status: flagged submission. Criteria: ACMG Guidelines, 2015. Collection method: clinical testing. Allele origin: germline. Not counted in ClinVar's aggregate classification.
ClinVar note: Reason: Outlier claim with insufficient supporting evidence

Literature cited by the submitters: PubMed 19699296 (cited by Women's Health and Genetics/Laboratory Corporation of America, LabCorp and Labcorp Genetics (formerly Invitae), Labcorp); PubMed 22639855 (cited by Women's Health and Genetics/Laboratory Corporation of America, LabCorp and Labcorp Genetics (formerly Invitae), Labcorp); PubMed 1615486 (cited by 3 submitters).